The following is an entry in ClinVar:

ClinVar aggregate classification (germline): Uncertain significance. Review status: criteria provided, multiple submitters, no conflicts (2 of 4 stars). 5 submissions from 5 submitters: Uncertain significance (5). Last evaluated 2025-09-24.

Conditions:
Dyskeratosis congenita, autosomal dominant 6 (DKCA6). Identifiers: Orphanet 3322, MedGen C4225284, MONDO:0014690, OMIM 616553.
Inborn genetic diseases. Identifiers: MedGen C0950123, MeSH D030342.

Allele frequency attached by ClinVar (database versions not stated): gnomAD 0.00005 and 0.00006; ExAC 0.00008; TOPMed 0.00009; 1000 Genomes Project 0.00020; 1000 Genomes Project 30x 0.00031.

Submissions (5):

Labcorp Genetics (formerly Invitae), Labcorp
Classification: Uncertain significance for Dyskeratosis congenita, autosomal dominant 6. Last evaluated: 2025-09-24. Review status: criteria provided, single submitter. Criteria: Invitae Variant Classification Sherloc (09022015). Collection method: clinical testing. Allele origin: germline.
Comment: This sequence change replaces leucine, which is neutral and non-polar, with valine, which is neutral and non-polar, at codon 351 of the ACD protein (p.Leu351Val). This variant is present in population databases (rs200934242, gnomAD 0.1%). This variant has not been reported in the literature in individuals affected with ACD-related conditions. ClinVar contains an entry for this variant (Variation ID: 848065). Invitae Evidence Modeling of protein sequence and biophysical properties (such as structural, functional, and spatial information, amino acid conservation, physicochemical variation, residue mobility, and thermodynamic stability) indicates that this missense variant is expected to disrupt ACD protein function with a positive predictive value of 80%. In summary, the available evidence is currently insufficient to determine the role of this variant in disease. Therefore, it has been classified as a Variant of Uncertain Significance.

Center for Genomic Medicine, Rigshospitalet, Copenhagen University Hospital
Classification: Uncertain significance. Last evaluated: 2025-03-04. Review status: criteria provided, single submitter. Criteria: ACMG Guidelines, 2015. Collection method: clinical testing. Allele origin: germline.

Ambry Genetics
Classification: Uncertain significance for Inborn genetic diseases. Last evaluated: 2024-07-31. Review status: criteria provided, single submitter. Criteria: Ambry Variant Classification Scheme 2023. Collection method: clinical testing. Allele origin: germline.
Comment: The p.L351V variant (also known as c.1051C>G), located in coding exon 9 of the ACD gene, results from a C to G substitution at nucleotide position 1051. The leucine at codon 351 is replaced by valine, an amino acid with highly similar properties. This amino acid position is conserved. In addition, this alteration is predicted to be tolerated by in silico analysis. Since supporting evidence is limited at this time, the clinical significance of this alteration remains unclear.

Blueprint Genetics
Classification: Uncertain significance. Last evaluated: 2023-08-22. Review status: criteria provided, single submitter. Criteria: ACMG Guidelines, 2015. Collection method: clinical testing. Allele origin: germline.

Genetic Services Laboratory, University of Chicago
Classification: Uncertain significance. Last evaluated: 2020-04-20. Review status: criteria provided, single submitter. Criteria: ACMG Guidelines, 2015. Collection method: clinical testing. Allele origin: germline. Affected: no.
Comment: DNA sequence analysis of the ACD gene demonstrated a sequence change, c.1051C>G, in exon 9 that results in an amino acid change, p.Leu351Val. This sequence change has been described in the gnomAD database with a low population frequency of 0.012% (dbSNP rs200934242). The p.Leu351Val change affects a moderately conserved amino acid residue located in a domain of the ACD protein that is not known to be functional. The p.Leu351Val substitution appears to be benign using several in-silico pathogenicity prediction tools (SIFT, PolyPhen2, Align GVGD, REVEL). This variant has not been reported in the literature in individuals with ACD-related conditions. Due to the lack of functional studies, the clinical significance of the p.Leu351Val change remains unknown at this time.

NM_001082486.2(ACD):c.793C>G (p.Leu265Val)

Gene: ACD (ACD shelterin complex subunit and telomerase recruitment factor; minus strand). Cytogenetic location: 16q22.1.
Variant type: single nucleotide variant.
Coding change: c.793C>G on transcript NM_001082486.2 (MANE Select); coding-DNA position 793, C replaced by G.
Protein change: p.Leu265Val; replaces leucine 265 with valine.
Molecular consequence: missense variant.
Genome position (GRCh38, 1-based): chr16:67,658,591, G>C on the plus strand (C>G on the coding strand, the complement: ACD is on the minus strand). VCF-style: chr16-67658591-G-C. GRCh37 (hg19) VCF-style: chr16-67692494-G-C.
Other names: c.784C>G, p.Leu262Val (NM_022914.3); short protein forms L262V, L265V.
Identifiers: ClinVar variation 848065 (VCV000848065.17), dbSNP rs200934242, ClinGen allele CA8114532.